The following is an entry in ClinVar:

NM_152564.5(VPS13B):c.10104G>C (p.Gln3368His)

Gene: VPS13B (vacuolar protein sorting 13 homolog B; plus strand). Cytogenetic location: 8q22.2.
Variant type: single nucleotide variant.
Coding change: c.10104G>C on transcript NM_152564.5 (MANE Select); coding-DNA position 10104, G replaced by C.
Protein change: p.Gln3368His; replaces glutamine 3368 with histidine.
Molecular consequence: missense variant.
Genome position (GRCh38, 1-based): chr8:99,853,493, G>C. VCF-style: chr8-99853493-G-C. GRCh37 (hg19) VCF-style: chr8-100865721-G-C.
Other names: c.10179G>C, p.Gln3393His (NM_017890.5); short protein forms Q3368H, Q3393H.
Identifiers: ClinVar variation 2098105 (VCV002098105.3), dbSNP rs752625401, ClinGen allele CA371780796.

ClinVar aggregate classification (germline): Uncertain significance (1 of 4 stars; one submission).

Conditions:
Cohen syndrome (COH1). Also called: Cutis verticis gyrata, retinitis pigmentosa, and sensorineural deafness; PEPPER SYNDROME. Identifiers: Orphanet 193, MedGen C0265223, MONDO:0008999, OMIM 216550.

Submission:

Labcorp Genetics (formerly Invitae), Labcorp
Classification: Uncertain significance for Cohen syndrome. Last evaluated: 2022-05-24. Review status: criteria provided, single submitter. Criteria: Invitae Variant Classification Sherloc (09022015). Collection method: clinical testing. Allele origin: germline.
Comment: In summary, the available evidence is currently insufficient to determine the role of this variant in disease. Therefore, it has been classified as a Variant of Uncertain Significance. This sequence change replaces glutamine, which is neutral and polar, with histidine, which is basic and polar, at codon 3393 of the VPS13B protein (p.Gln3393His). This variant is not present in population databases (gnomAD no frequency). This variant has not been reported in the literature in individuals affected with VPS13B-related conditions. Algorithms developed to predict the effect of missense changes on protein structure and function are either unavailable or do not agree on the potential impact of this missense change (SIFT: "Not Available"; PolyPhen-2: "Benign"; Align-GVGD: "Not Available").